The following is an entry in ClinVar:

ClinVar aggregate classification (germline): Uncertain significance (1 of 4 stars; one submission).

Conditions:
MIB1-related disorder. Also called: MIB1-related condition.

Submission:

PreventionGenetics, part of Exact Sciences
Classification: Uncertain significance for MIB1-related condition. Last evaluated: 2026-07-05. Review status: criteria provided, single submitter. Criteria: ACMG Guidelines, 2015. Collection method: clinical testing. Allele origin: germline.
Comment: The MIB1 c.706G>A variant is predicted to result in the amino acid substitution p.Glu236Lys. To our knowledge, this variant has not been reported in the literature or in a large population database (gnomAD), indicating this variant is rare. At this time, the clinical significance of this variant is uncertain due to the absence of conclusive functional and genetic evidence.

NM_020774.4(MIB1):c.706G>A (p.Glu236Lys)

Gene: MIB1 (MIB E3 ubiquitin protein ligase 1; plus strand). Cytogenetic location: 18q11.2.
Variant type: single nucleotide variant.
Coding change: c.706G>A on transcript NM_020774.4 (MANE Select); coding-DNA position 706, G replaced by A.
Protein change: p.Glu236Lys; replaces glutamic acid 236 with lysine.
Molecular consequence: missense variant.
Genome position (GRCh38, 1-based): chr18:21,779,483, G>A. VCF-style: chr18-21779483-G-A. GRCh37 (hg19) VCF-style: chr18-19359444-G-A.
Other names: short protein forms E236K.
Identifiers: ClinVar variation 4991760 (VCV004991760.1).
Genomic context (GRCh38, chr18:21,779,483, plus strand): 5'-GCTGCCTGTTGTTGTGAGGTTTTTTTCTCCCTTTATTCAATTGCCTCTGAAATTACAGGT[G>A]AGCAGAATGGCAACAGGAATCCTGGTGGATTGCAGATTGGTGACCTGGTAAATATAGATC-3'
Protein context (NP_065825.1, residues 226-246): FYRDHCPVLG[Glu236Lys]QNGNRNPGGL